The following is an entry in ClinVar:

NM_182641.4(BPTF):c.3286A>G (p.Thr1096Ala)

Gene: BPTF (bromodomain PHD finger transcription factor; plus strand). Cytogenetic location: 17q24.2.
Variant type: single nucleotide variant.
Coding change: c.3286A>G on transcript NM_182641.4 (MANE Select); coding-DNA position 3286, A replaced by G.
Protein change: p.Thr1096Ala; replaces threonine 1096 with alanine.
Molecular consequence: missense variant.
Genome position (GRCh38, 1-based): chr17:67,911,170, A>G. VCF-style: chr17-67911170-A-G. GRCh37 (hg19) VCF-style: chr17-65907286-A-G.
Other names: c.3286A>G (NM_182641.3); c.3664A>G, p.Thr1222Ala (NM_004459.7); short protein forms T1222A, T1096A.
Identifiers: ClinVar variation 3693199 (VCV003693199.3).
Genomic context (GRCh38, chr17:67,911,170, plus strand): 5'-AAACAGCGACTCGAAAAAATCAAGTTGGAGGGTGGAATTAAGGGTATAGGAAAGACTTCT[A>G]CAAATTCTTCAAAAAATCTCTCTGAATCACCAGTAATAACGAAAGCAAAAGAAGGGTGTC-3'
Protein context (NP_872579.2, residues 1086-1106): GGIKGIGKTS[Thr1096Ala]NSSKNLSESP

ClinVar aggregate classification (germline): Uncertain significance. Review status: criteria provided, multiple submitters, no conflicts (2 of 4 stars). 2 submissions from 2 submitters: Uncertain significance (2). Last evaluated 2025-04-09.

Conditions:
Inborn genetic diseases. Identifiers: MedGen C0950123, MeSH D030342.

gnomAD v4.1: 6 of 1,613,852 alleles (0.00037%); highest among the groups gnomAD compares: African/African-American, 0.0013%; no homozygotes.

Submissions (2):

Ambry Genetics
Classification: Uncertain significance for Inborn genetic diseases. Last evaluated: 2025-04-09. Review status: criteria provided, single submitter. Criteria: Ambry Variant Classification Scheme 2023. Collection method: clinical testing. Allele origin: germline.

Labcorp Genetics (formerly Invitae), Labcorp
Classification: Uncertain significance. Last evaluated: 2024-07-17. Review status: criteria provided, single submitter. Criteria: Invitae Variant Classification Sherloc (09022015). Collection method: clinical testing. Allele origin: germline.
Comment: This sequence change replaces threonine, which is neutral and polar, with alanine, which is neutral and non-polar, at codon 1222 of the BPTF protein (p.Thr1222Ala). This variant is present in population databases (no rsID available, gnomAD 0.007%). This variant has not been reported in the literature in individuals affected with BPTF-related conditions. An algorithm developed to predict the effect of missense changes on protein structure and function outputs the following: PolyPhen-2: "Benign". The alanine amino acid residue is found in multiple mammalian species, which suggests that this missense change does not adversely affect protein function. In summary, the available evidence is currently insufficient to determine the role of this variant in disease. Therefore, it has been classified as a Variant of Uncertain Significance.